The following is an entry in ClinVar:

NM_020379.4(MAN1C1):c.1766+9T>C

Gene: MAN1C1 (mannosidase alpha class 1C member 1; plus strand). Cytogenetic location: 1p36.11.
Variant type: single nucleotide variant.
Coding change: c.1766+9T>C on transcript NM_020379.4 (MANE Select); 9 bases into the intron after coding-DNA position 1766, T replaced by C.
Molecular consequence: intron variant.
Genome position (GRCh38, 1-based): chr1:25,782,709, T>C. VCF-style: chr1-25782709-T-C. GRCh37 (hg19) VCF-style: chr1-26109200-T-C.
Other names: c.1868+9T>C (NM_001385182.1); c.1838+9T>C (NM_001385183.1); c.1766+9T>C (NM_001289010.2); c.1262+9T>C (NM_001385184.1); c.1079+9T>C (NM_001385185.1).
Identifiers: ClinVar variation 3035883 (VCV003035883.2), dbSNP rs371173401, ClinGen allele CA696371.
Genomic context (GRCh38, chr1:25,782,709, plus strand): 5'-CCCCCAACCACGACAACAAGCAGCAGAGCTTCTTTCTAGCGGAGACACTAAAGTGAGCAG[T>C]GTGGGCTCTTCCTAGGGATGGACAGGTGGGAGGTTGAGGGTAGGGGTCCGCAGTCCCTCC-3'

ClinVar aggregate classification (germline): Likely benign (0 of 4 stars; one submission).

Conditions:
MAN1C1-related disorder. Also called: MAN1C1-related condition.

Allele frequency attached by ClinVar (database versions not stated): ESP Exome Variant Server 0.00038; 1000 Genomes Project 30x 0.00047; 1000 Genomes Project 0.00060.
gnomAD v4.1: 107 of 1,602,600 alleles (0.0067%); highest among the groups gnomAD compares: African/African-American, 0.13%; no homozygotes.

Submission:

PreventionGenetics, part of Exact Sciences
Classification: Likely benign for MAN1C1-related condition. Last evaluated: 2019-08-13. Review status: no assertion criteria provided. Collection method: clinical testing. Allele origin: germline.
Comment: This variant is classified as likely benign based on ACMG/AMP sequence variant interpretation guidelines (Richards et al. 2015 PMID: 25741868, with internal and published modifications).